The following is an entry in ClinVar:

NM_014055.4(IFT81):c.1736G>A (p.Arg579His)

Gene: IFT81 (intraflagellar transport 81; plus strand). Cytogenetic location: 12q24.11.
Variant type: single nucleotide variant.
Coding change: c.1736G>A on transcript NM_014055.4 (MANE Select); coding-DNA position 1736, G replaced by A.
Protein change: p.Arg579His; replaces arginine 579 with histidine.
Molecular consequence: missense variant. On other transcripts: non-coding transcript variant (4).
Genome position (GRCh38, 1-based): chr12:110,205,614, G>A. VCF-style: chr12-110205614-G-A. GRCh37 (hg19) VCF-style: chr12-110643419-G-A.
Other names: c.1736G>A, p.Arg579His (NM_001143779.2); c.806G>A, p.Arg269His (NM_001347947.2, NM_001347948.2); short protein forms R269H, R579H.
Identifiers: ClinVar variation 849489 (VCV000849489.6), dbSNP rs545274333, ClinGen allele CA6783474.

ClinVar aggregate classification (germline): Conflicting classifications of pathogenicity. Review status: criteria provided, conflicting classifications (1 of 4 stars). 2 submissions from 2 submitters: Uncertain significance (1); Likely benign (1). Last evaluated 2023-11-28.

Allele frequency attached by ClinVar (database versions not stated): gnomAD exomes 0.00003 and 0.00011; gnomAD 0.00006; TOPMed 0.00008; 1000 Genomes Project 30x 0.00016; ExAC 0.00017; 1000 Genomes Project 0.00020.
gnomAD v4.1: 67 of 1,602,856 alleles (0.0042%); highest among the groups gnomAD compares: South Asian, 0.0046%; no homozygotes.

Submissions (2):

Blueprint Genetics
Classification: Likely benign. Last evaluated: 2023-11-28. Review status: criteria provided, single submitter. Criteria: ACMG Guidelines, 2015. Collection method: clinical testing. Allele origin: germline.

Labcorp Genetics (formerly Invitae), Labcorp
Classification: Uncertain significance. Last evaluated: 2022-07-14. Review status: criteria provided, single submitter. Criteria: Invitae Variant Classification Sherloc (09022015). Collection method: clinical testing. Allele origin: germline.
Comment: This sequence change replaces arginine, which is basic and polar, with histidine, which is basic and polar, at codon 579 of the IFT81 protein (p.Arg579His). This variant is present in population databases (rs545274333, gnomAD 0.02%). This variant has not been reported in the literature in individuals affected with IFT81-related conditions. ClinVar contains an entry for this variant (Variation ID: 849489). Algorithms developed to predict the effect of missense changes on protein structure and function output the following: SIFT: "Deleterious"; PolyPhen-2: "Benign"; Align-GVGD: "Class C0". The histidine amino acid residue is found in multiple mammalian species, which suggests that this missense change does not adversely affect protein function. In summary, the available evidence is currently insufficient to determine the role of this variant in disease. Therefore, it has been classified as a Variant of Uncertain Significance.